The following is an entry in ClinVar:

ClinVar aggregate classification (germline): Uncertain significance (1 of 4 stars; one submission).

Conditions:
Cardiovascular phenotype. Identifiers: MedGen CN230736.

Allele frequency attached by ClinVar (database versions not stated): TOPMed below 0.00001.

Submission:

Ambry Genetics
Classification: Uncertain significance for Cardiovascular phenotype. Last evaluated: 2022-04-09. Review status: criteria provided, single submitter. Criteria: Ambry Variant Classification Scheme 2023. Collection method: clinical testing. Allele origin: germline.
Comment: The p.L120F variant (also known as c.358C>T), located in coding exon 3 of the GPD1L gene, results from a C to T substitution at nucleotide position 358. The leucine at codon 120 is replaced by phenylalanine, an amino acid with highly similar properties. This amino acid position is conserved. In addition, the in silico prediction for this alteration is inconclusive. Since supporting evidence is limited at this time, the clinical significance of this alteration remains unclear.

NM_015141.4(GPD1L):c.358C>T (p.Leu120Phe)

Gene: GPD1L (glycerol-3-phosphate dehydrogenase 1 like; plus strand). Cytogenetic location: 3p22.3.
Variant type: single nucleotide variant.
Coding change: c.358C>T on transcript NM_015141.4 (MANE Select); coding-DNA position 358, C replaced by T.
Protein change: p.Leu120Phe; replaces leucine 120 with phenylalanine.
Molecular consequence: missense variant.
Genome position (GRCh38, 1-based): chr3:32,138,719, C>T. VCF-style: chr3-32138719-C-T. GRCh37 (hg19) VCF-style: chr3-32180211-C-T.
Other names: short protein forms L120F.
Identifiers: ClinVar variation 1732979 (VCV001732979.2), dbSNP rs1700700614, ClinGen allele CA351974400.